The following is an entry in ClinVar:

ClinVar aggregate classification (germline): Benign/Likely benign. Review status: criteria provided, multiple submitters, no conflicts (2 of 4 stars). 3 submissions from 3 submitters: Benign (1); Likely benign (2). Last evaluated 2026-02-03.

Allele frequency attached by ClinVar (database versions not stated): gnomAD 0.00024 and 0.00050; TOPMed 0.00030; ESP Exome Variant Server 0.00046; gnomAD exomes 0.00061 and 0.00110; 1000 Genomes Project 0.00100; 1000 Genomes Project 30x 0.00109; ExAC 0.00131.
gnomAD v4.1: 982 of 1,610,922 alleles (0.061%); highest among the groups gnomAD compares: South Asian, 0.74%; 13 homozygotes.

Submissions (3):

Labcorp Genetics (formerly Invitae), Labcorp
Classification: Benign. Last evaluated: 2026-02-03. Review status: criteria provided, single submitter. Criteria: Invitae Variant Classification Sherloc (09022015). Collection method: clinical testing. Allele origin: germline.

CeGaT Center for Human Genetics Tuebingen
Classification: Likely benign. Last evaluated: 2026-01-01. Review status: criteria provided, single submitter. Criteria: CeGaT Center For Human Genetics Tuebingen Variant Classification Criteria Version 2. Collection method: clinical testing. Allele origin: germline. Affected: yes. Observed: 5 variant alleles.
Comment: PPP2CA: BP4, BP7, BS2

Blueprint Genetics
Classification: Likely benign. Last evaluated: 2024-10-09. Review status: criteria provided, single submitter. Criteria: ACMG Guidelines, 2015. Collection method: clinical testing. Allele origin: germline.

NM_002715.4(PPP2CA):c.837C>T (p.Asp279=)

Gene: PPP2CA (protein phosphatase 2 catalytic subunit alpha; minus strand). Cytogenetic location: 5q31.1.
Variant type: single nucleotide variant.
Coding change: c.837C>T on transcript NM_002715.4 (MANE Select); coding-DNA position 837, C replaced by T.
Protein change: p.Asp279=; no amino-acid change (aspartic acid 279 retained).
Molecular consequence: synonymous variant. On other transcripts: non-coding transcript variant (1).
Genome position (GRCh38, 1-based): chr5:134,199,106, G>A on the plus strand (C>T on the coding strand, the complement: PPP2CA is on the minus strand). VCF-style: chr5-134199106-G-A. GRCh37 (hg19) VCF-style: chr5-133534797-G-A.
Other names: c.642C>T, p.Asp214= (NM_001355019.2).
Identifiers: ClinVar variation 1611135 (VCV001611135.39), dbSNP rs201998249, ClinGen allele CA3412762.